The following is an entry in ClinVar:

ClinVar aggregate classification (germline): Likely benign. Review status: criteria provided, multiple submitters, no conflicts (2 of 4 stars). 3 submissions from 3 submitters: Likely benign (3). Last evaluated 2026-02-27.

Conditions:
Cowden syndrome 6 (CWS6). Identifiers: Orphanet 201, MedGen C3554519, MONDO:0014048, OMIM 615109.
AKT1-related disorder. Also called: AKT1-related condition.
Inborn genetic diseases. Identifiers: MedGen C0950123, MeSH D030342.

Allele frequency attached by ClinVar (database versions not stated): gnomAD 0.00001; gnomAD exomes 0.00001; ExAC 0.00003.
gnomAD v4.1: 11 of 1,612,254 alleles (0.00068%); highest among the groups gnomAD compares: East Asian, 0.0022%; no homozygotes.

Submissions (3):

PreventionGenetics, part of Exact Sciences
Classification: Likely benign for AKT1-related condition. Last evaluated: 2026-02-27. Review status: criteria provided, single submitter. Criteria: ACMG Guidelines, 2015. Collection method: clinical testing. Allele origin: germline.
Comment: This variant is classified as likely benign based on ACMG/AMP sequence variant interpretation guidelines (Richards et al. 2015 PMID: 25741868, with internal and published modifications).

Labcorp Genetics (formerly Invitae), Labcorp
Classification: Likely benign for Cowden syndrome 6. Last evaluated: 2024-12-09. Review status: criteria provided, single submitter. Criteria: Invitae Variant Classification Sherloc (09022015). Collection method: clinical testing. Allele origin: germline.

Ambry Genetics
Classification: Likely benign for Inborn genetic diseases. Last evaluated: 2022-04-25. Review status: criteria provided, single submitter. Criteria: Ambry Variant Classification Scheme 2023. Collection method: clinical testing. Allele origin: germline.

NM_001382430.1(AKT1):c.1425G>A (p.Ser475=)

Gene: AKT1 (AKT serine/threonine kinase 1; minus strand). Cytogenetic location: 14q32.33.
Variant type: single nucleotide variant.
Coding change: c.1425G>A on transcript NM_001382430.1 (MANE Select); coding-DNA position 1425, G replaced by A.
Protein change: p.Ser475=; no amino-acid change (serine 475 retained).
Molecular consequence: synonymous variant.
Genome position (GRCh38, 1-based): chr14:104,770,359, C>T on the plus strand (G>A on the coding strand, the complement: AKT1 is on the minus strand). VCF-style: chr14-104770359-C-T. GRCh37 (hg19) VCF-style: chr14-105236696-C-T.
Other names: c.1425G>A, p.Ser475= (NM_001014431.2, NM_001014432.2, NM_001382431.1 and 3 more transcripts).
Identifiers: ClinVar variation 1772362 (VCV001772362.9), dbSNP rs748603087, ClinGen allele CA7374436.
Genomic context (GRCh38, chr14:104,770,359, plus strand): 5'-TCCATCCCTCCAAGCTATCGTCCAGCGCAGTCCACCGCCGCCTCAGGCCGTGCCGCTGGC[C>T]GAGTAGGAGAACTGGGGGAAGTGGGGCCTGCGCTCGCTGTCCACACACTCCATGCTGTCA-3'
Protein context (NP_001369359.1, residues 465-480): RRPHFPQFSY[Ser475=]ASGTA